The following is an entry in ClinVar:

NM_001256007.3(PNPLA8):c.402A>C (p.Gln134His)

Gene: PNPLA8 (patatin like domain 8, phospholipase A2; minus strand). Cytogenetic location: 7q31.1.
Variant type: single nucleotide variant.
Coding change: c.402A>C on transcript NM_001256007.3 (MANE Select); coding-DNA position 402, A replaced by C.
Protein change: p.Gln134His; replaces glutamine 134 with histidine.
Molecular consequence: missense variant.
Genome position (GRCh38, 1-based): chr7:108,515,090, T>G on the plus strand (A>C on the coding strand, the complement: PNPLA8 is on the minus strand). VCF-style: chr7-108515090-T-G. GRCh37 (hg19) VCF-style: chr7-108155534-T-G.
Other names: p.Gln134His; c.402A>C, p.Gln134His (NM_001256008.3, NM_001256009.3, NM_015723.5); c.102A>C, p.Gln34His (NM_001256010.3, NM_001256011.3); short protein forms Q34H, Q134H.
Identifiers: ClinVar variation 4541326 (VCV004541326.1).

ClinVar aggregate classification (germline): Uncertain significance (1 of 4 stars; one submission).

Submission:

Mayo Clinic Laboratories, Mayo Clinic
Classification: Uncertain significance. Last evaluated: 2025-09-03. Review status: criteria provided, single submitter. Criteria: ACMG Guidelines, 2015. Collection method: clinical testing. Allele origin: germline. Observed: 1 variant allele.
Comment: BP4